The following is an entry in ClinVar:

NM_020822.3(KCNT1):c.3133A>C (p.Ser1045Arg)

Gene: KCNT1 (potassium sodium-activated channel subfamily T member 1; plus strand). Cytogenetic location: 9q34.3.
Variant type: single nucleotide variant.
Coding change: c.3133A>C on transcript NM_020822.3 (MANE Select); coding-DNA position 3133, A replaced by C.
Protein change: p.Ser1045Arg; replaces serine 1045 with arginine.
Molecular consequence: missense variant.
Genome position (GRCh38, 1-based): chr9:135,784,866, A>C. VCF-style: chr9-135784866-A-C. GRCh37 (hg19) VCF-style: chr9-138676712-A-C.
Other names: c.2998A>C, p.Ser1000Arg (NM_001272003.2); short protein forms S1000R, S1045R.
Identifiers: ClinVar variation 4790756 (VCV004790756.1).

ClinVar aggregate classification (germline): Uncertain significance (1 of 4 stars; one submission).

Conditions:
Autosomal dominant nocturnal frontal lobe epilepsy 5. Also called: CILIARY DYSKINESIA, PRIMARY, 28, WITHOUT SITUS INVERSUS; CILIARY DYSKINESIA, PRIMARY, 28, WITH SITUS INVERSUS; KCNT1-Related Epilepsy; Epilepsy, nocturnal frontal lobe, 5. Identifiers: Orphanet 98784, MedGen C3554306, MONDO:0014002, OMIM 615005.
Developmental and epileptic encephalopathy, 14 (DEE14). Also called: Early infantile epileptic encephalopathy 14. Identifiers: Orphanet 293181, MedGen C3554195, MONDO:0013989, OMIM 614959.

Submission:

Labcorp Genetics (formerly Invitae), Labcorp
Classification: Uncertain significance for Autosomal dominant nocturnal frontal lobe epilepsy 5; Developmental and epileptic encephalopathy, 14. Last evaluated: 2025-03-13. Review status: criteria provided, single submitter. Criteria: Invitae Variant Classification Sherloc (09022015). Collection method: clinical testing. Allele origin: germline.
Comment: This sequence change replaces serine, which is neutral and polar, with arginine, which is basic and polar, at codon 1045 of the KCNT1 protein (p.Ser1045Arg). This variant is not present in population databases (gnomAD no frequency). This variant has not been reported in the literature in individuals affected with KCNT1-related conditions. Invitae Evidence Modeling of protein sequence and biophysical properties (such as structural, functional, and spatial information, amino acid conservation, physicochemical variation, residue mobility, and thermodynamic stability) indicates that this missense variant is not expected to disrupt KCNT1 protein function with a negative predictive value of 80%. In summary, the available evidence is currently insufficient to determine the role of this variant in disease. Therefore, it has been classified as a Variant of Uncertain Significance.